The following is an entry in ClinVar:

ClinVar aggregate classification (germline): Uncertain significance (1 of 4 stars; one submission).

Conditions:
Ullrich congenital muscular dystrophy 2 (UCMD2). Identifiers: Orphanet 75840, MedGen C4225314, MONDO:0014654, OMIM 616470.
Bethlem myopathy 2 (BTHLM2). Identifiers: Orphanet 536516, Orphanet 610, MedGen C4225313, MONDO:0034022, OMIM 616471.

Submission:

Labcorp Genetics (formerly Invitae), Labcorp
Classification: Uncertain significance for Bethlem myopathy 2; Ullrich congenital muscular dystrophy 2. Last evaluated: 2022-08-02. Review status: criteria provided, single submitter. Criteria: Invitae Variant Classification Sherloc (09022015). Collection method: clinical testing. Allele origin: germline.
Comment: In summary, the available evidence is currently insufficient to determine the role of this variant in disease. Therefore, it has been classified as a Variant of Uncertain Significance. Algorithms developed to predict the effect of missense changes on protein structure and function are either unavailable or do not agree on the potential impact of this missense change (SIFT: "Deleterious"; PolyPhen-2: "Benign"; Align-GVGD: "Class C0"). ClinVar contains an entry for this variant (Variation ID: 1518941). This variant has not been reported in the literature in individuals affected with COL12A1-related conditions. This variant is not present in population databases (gnomAD no frequency). This sequence change replaces glutamine, which is neutral and polar, with glutamic acid, which is acidic and polar, at codon 843 of the COL12A1 protein (p.Gln843Glu).

NM_004370.6(COL12A1):c.2527C>G (p.Gln843Glu)

Gene: COL12A1 (collagen type XII alpha 1 chain; minus strand). Cytogenetic location: 6q13.
Variant type: single nucleotide variant.
Coding change: c.2527C>G on transcript NM_004370.6 (MANE Select); coding-DNA position 2527, C replaced by G.
Protein change: p.Gln843Glu; replaces glutamine 843 with glutamic acid.
Molecular consequence: missense variant. On other transcripts: intron variant (1).
Genome position (GRCh38, 1-based): chr6:75,175,221, G>C on the plus strand (C>G on the coding strand, the complement: COL12A1 is on the minus strand). VCF-style: chr6-75175221-G-C. GRCh37 (hg19) VCF-style: chr6-75884937-G-C.
Other names: c.74-22739C>G (NM_080645.3); short protein forms Q843E.
Identifiers: ClinVar variation 1518941 (VCV001518941.6), dbSNP rs2149452194, ClinGen allele CA364762294.